The following is an entry in ClinVar:

ClinVar aggregate classification (germline): Likely benign (1 of 4 stars; one submission).

Conditions:
KIR2DL1-related disorder. Also called: KIR2DL1-related condition.

gnomAD v4.1: 115 of 1,597,126 alleles (0.0072%); highest among the groups gnomAD compares: Admixed American, 0.19%; 1 homozygote.

Submission:

PreventionGenetics, part of Exact Sciences
Classification: Likely benign for KIR2DL1-related condition. Last evaluated: 2026-09-08. Review status: criteria provided, single submitter. Criteria: ACMG Guidelines, 2015. Collection method: clinical testing. Allele origin: germline.
Comment: This variant is classified as likely benign based on ACMG/AMP sequence variant interpretation guidelines (Richards et al. 2015 PMID: 25741868, with internal and published modifications).

NM_014218.3(KIR2DL1):c.131C>G (p.Thr44Arg)

Gene: KIR2DL1 (killer cell immunoglobulin like receptor, two Ig domains and long cytoplasmic tail 1). Cytogenetic location: 19q13.42.
Variant type: single nucleotide variant.
Coding change: c.131C>G on transcript NM_014218.3 (MANE Select); coding-DNA position 131, C replaced by G.
Protein change: p.Thr44Arg; replaces threonine 44 with arginine.
Molecular consequence: missense variant.
Genome position (GRCh38, 1-based): chr19:54,773,393, C>G. VCF-style: chr19-54773393-C-G. GRCh37 (hg19) VCF-style: chr19-55284845-C-G.
Other names: short protein forms T44R.
Identifiers: ClinVar variation 4981509 (VCV004981509.1).